The following is an entry in ClinVar:

ClinVar aggregate classification (germline): Uncertain significance. Review status: criteria provided, multiple submitters, no conflicts (2 of 4 stars). 2 submissions from 2 submitters: Uncertain significance (2). Last evaluated 2025-08-27.

Conditions:
Inborn genetic diseases. Identifiers: MedGen C0950123, MeSH D030342.
Glycogen storage disease due to muscle and heart glycogen synthase deficiency. Also called: GSD 0b; MUSCLE GLYCOGEN SYNTHASE DEFICIENCY. Identifiers: Orphanet 137625, MedGen C1969054, MONDO:0012693, OMIM 611556.

Allele frequency attached by ClinVar (database versions not stated): ExAC 0.00002; gnomAD 0.00002; gnomAD exomes 0.00002 and 0.00004; TOPMed 0.00002.
gnomAD v4.1: 62 of 1,611,440 alleles (0.0038%); highest among the groups gnomAD compares: Non-Finnish European, 0.0051%; no homozygotes.

Submissions (2):

Ambry Genetics
Classification: Uncertain significance for Inborn genetic diseases. Last evaluated: 2025-08-27. Review status: criteria provided, single submitter. Criteria: Ambry Variant Classification Scheme 2023. Collection method: clinical testing. Allele origin: germline.

Labcorp Genetics (formerly Invitae), Labcorp
Classification: Uncertain significance for Glycogen storage disease due to muscle and heart glycogen synthase deficiency. Last evaluated: 2021-10-04. Review status: criteria provided, single submitter. Criteria: Invitae Variant Classification Sherloc (09022015). Collection method: clinical testing. Allele origin: germline.
Comment: This sequence change replaces glutamine with leucine at codon 360 of the GYS1 protein (p.Gln360Leu). The glutamine residue is weakly conserved and there is a moderate physicochemical difference between glutamine and leucine. This variant is present in population databases (rs759812102, ExAC 0.003%). This variant has not been reported in the literature in individuals affected with GYS1-related conditions. Algorithms developed to predict the effect of missense changes on protein structure and function (SIFT, PolyPhen-2, Align-GVGD) all suggest that this variant is likely to be tolerated. In summary, the available evidence is currently insufficient to determine the role of this variant in disease. Therefore, it has been classified as a Variant of Uncertain Significance.

NM_002103.5(GYS1):c.1079A>T (p.Gln360Leu)

Gene: GYS1 (glycogen synthase 1; minus strand). Cytogenetic location: 19q13.33.
Variant type: single nucleotide variant.
Coding change: c.1079A>T on transcript NM_002103.5 (MANE Select); coding-DNA position 1079, A replaced by T.
Protein change: p.Gln360Leu; replaces glutamine 360 with leucine.
Molecular consequence: missense variant. On other transcripts: non-coding transcript variant (1).
Genome position (GRCh38, 1-based): chr19:48,981,620, T>A on the plus strand (A>T on the coding strand, the complement: GYS1 is on the minus strand). VCF-style: chr19-48981620-T-A. GRCh37 (hg19) VCF-style: chr19-49484877-T-A.
Other names: c.1079A>T (NM_002103.4); c.887A>T, p.Gln296Leu (NM_001161587.2); short protein forms Q360L, Q296L.
Identifiers: ClinVar variation 1345366 (VCV001345366.4), dbSNP rs759812102, ClinGen allele CA9563090.